The following is an entry in ClinVar:

NM_003322.6(TULP1):c.1113-1G>T

Gene: TULP1 (TUB like protein 1; minus strand). Cytogenetic location: 6p21.31.
Variant type: single nucleotide variant.
Coding change: c.1113-1G>T on transcript NM_003322.6 (MANE Select); the canonical splice acceptor site of the intron before coding-DNA position 1113, G replaced by T.
Molecular consequence: splice acceptor variant.
Genome position (GRCh38, 1-based): chr6:35,503,849, C>A on the plus strand (G>T on the coding strand, the complement: TULP1 is on the minus strand). VCF-style: chr6-35503849-C-A. GRCh37 (hg19) VCF-style: chr6-35471626-C-A.
Other names: NM_001289395.2:c.954-1G>T; c.954-1G>T (NM_001289395.2).
Identifiers: ClinVar variation 2500853 (VCV002500853.1), dbSNP rs778756586, ClinGen allele CA363779475.

ClinVar aggregate classification (germline): Likely pathogenic (1 of 4 stars; one submission).

Conditions:
Retinitis pigmentosa 14 (RP14). Also called: RETINITIS PIGMENTOSA, JUVENILE, TULP1-RELATED. Identifiers: Orphanet 791, MedGen C1838603, MONDO:0010827, OMIM 600132.

Submission:

Broad Center for Mendelian Genomics, Broad Institute of MIT and Harvard
Classification: Likely pathogenic for Retinitis pigmentosa 14. Last evaluated: 2023-05-02. Review status: criteria provided, single submitter. Criteria: ACMG Guidelines, 2015. Collection method: curation. Allele origin: germline. Inheritance: Autosomal recessive inheritance.
Comment: Long-range PCR analysis revealed that this variant was in trans with a pathogenic variant (ClinVar Variation ID: 99666). The c.1113-1G>T variant in TULP1 has not been previously reported in individuals with retinitis pigmentosa 14. This variant was absent from large population studies. This variant is located in the 3' splice region. Computational tools predict a splicing impact, though this information is not predictive enough to determine pathogenicity. Loss of function of the TULP1 gene is strongly associated to autosomal recessive retinitis pigmentosa 14. In summary, although additional studies are required to fully establish its clinical significance, this variant is likely pathogenic for autosomal recessive retinitis pigmentosa 14. ACMG/AMP Criteria applied: PVS1_Strong, PM2_Supporting, PM3 (Richards 2015).